The following is an entry in ClinVar:

ClinVar aggregate classification (germline): Likely benign (1 of 4 stars; one submission).

gnomAD v4.1: 352 of 1,613,932 alleles (0.022%); highest among the groups gnomAD compares: Non-Finnish European, 0.029%; no homozygotes.

Submission:

CeGaT Center for Human Genetics Tuebingen
Classification: Likely benign. Last evaluated: 2026-04-01. Review status: criteria provided, single submitter. Criteria: CeGaT Center For Human Genetics Tuebingen Variant Classification Criteria Version 2. Collection method: clinical testing. Allele origin: germline. Affected: yes. Observed: 1 variant allele.
Comment: MRM2: BP4, BP7

NM_013393.3(MRM2):c.459C>T (p.Ser153=)

Gene: MRM2 (mitochondrial rRNA methyltransferase 2; minus strand). Cytogenetic location: 7p22.3.
Variant type: single nucleotide variant.
Coding change: c.459C>T on transcript NM_013393.3 (MANE Select); coding-DNA position 459, C replaced by T.
Protein change: p.Ser153=; no amino-acid change (serine 153 retained).
Molecular consequence: synonymous variant.
Genome position (GRCh38, 1-based): chr7:2,235,404, G>A on the plus strand (C>T on the coding strand, the complement: MRM2 is on the minus strand). VCF-style: chr7-2235404-G-A. GRCh37 (hg19) VCF-style: chr7-2275039-G-A.
Identifiers: ClinVar variation 4873334 (VCV004873334.2).